The following is an entry in ClinVar:

ClinVar aggregate classification (germline): Uncertain significance (1 of 4 stars; one submission).

Conditions:
Parkinsonism-dystonia, infantile. Identifiers: Orphanet 238455, MedGen C2751067, MONDO:0013150.

Allele frequency attached by ClinVar (database versions not stated): gnomAD exomes below 0.00001; gnomAD 0.00002; TOPMed 0.00003; ESP Exome Variant Server 0.00015.
gnomAD v4.1: 13 of 1,581,500 alleles (0.00082%); highest among the groups gnomAD compares: Admixed American, 0.0018%; no homozygotes.

Submission:

Labcorp Genetics (formerly Invitae), Labcorp
Classification: Uncertain significance for Parkinsonism-dystonia, infantile. Last evaluated: 2021-08-26. Review status: criteria provided, single submitter. Criteria: Invitae Variant Classification Sherloc (09022015). Collection method: clinical testing. Allele origin: germline.
Comment: This sequence change replaces threonine with methionine at codon 613 of the SLC6A3 protein (p.Thr613Met). The threonine residue is moderately conserved and there is a moderate physicochemical difference between threonine and methionine. This variant is not present in population databases (ExAC no frequency). This variant has not been reported in the literature in individuals affected with SLC6A3-related conditions. Algorithms developed to predict the effect of missense changes on protein structure and function are either unavailable or do not agree on the potential impact of this missense change (SIFT: "Tolerated"; PolyPhen-2: "Possibly Damaging"; Align-GVGD: "Class C0"). Algorithms developed to predict the effect of sequence changes on RNA splicing suggest that this variant may disrupt the consensus splice site. In summary, the available evidence is currently insufficient to determine the role of this variant in disease. Therefore, it has been classified as a Variant of Uncertain Significance.

NM_001044.5(SLC6A3):c.1838C>T (p.Thr613Met)

Gene: SLC6A3 (solute carrier family 6 member 3). Cytogenetic location: 5p15.33.
Variant type: single nucleotide variant.
Coding change: c.1838C>T on transcript NM_001044.5 (MANE Select); coding-DNA position 1838, C replaced by T.
Protein change: p.Thr613Met; replaces threonine 613 with methionine.
Molecular consequence: missense variant.
Genome position (GRCh38, 1-based): chr5:1,400,916, G>A on the plus strand (C>T on the coding strand, the complement: SLC6A3 is on the minus strand). VCF-style: chr5-1400916-G-A. GRCh37 (hg19) VCF-style: chr5-1401031-G-A.
Other names: short protein forms T613M.
Identifiers: ClinVar variation 573687 (VCV000573687.7), dbSNP rs372722904, ClinGen allele CA112957164.